The following is an entry in ClinVar:

NM_001904.4(CTNNB1):c.1625G>A (p.Arg542His)

Genes: CTNNB1 (catenin beta 1; plus strand), LOC126806659 (BRD4-independent group 4 enhancer GRCh37_chr3:41274918-41276117; plus strand). Cytogenetic location: 3p22.1.
Variant type: single nucleotide variant.
Coding change: c.1625G>A on transcript NM_001904.4 (MANE Select); coding-DNA position 1625, G replaced by A.
Protein change: p.Arg542His; replaces arginine 542 with histidine.
Molecular consequence: missense variant.
Genome position (GRCh38, 1-based): chr3:41,234,239, G>A. VCF-style: chr3-41234239-G-A. GRCh37 (hg19) VCF-style: chr3-41275730-G-A.
Other names: c.1625G>A, p.Arg542His (NM_001098209.2, NM_001098210.2); c.1604G>A, p.Arg535His (NM_001330729.2); c.1625G>A (NM_001904.3); short protein forms R535H, R542H.
Identifiers: ClinVar variation 1371908 (VCV001371908.7), dbSNP rs551257843, ClinGen allele CA2331128.
Genomic context (GRCh38, chr3:41,234,239, plus strand): 5'-CAAATCATGCACCTTTGCGTGAGCAGGGTGCCATTCCACGACTAGTTCAGTTGCTTGTTC[G>A]TGCACATCAGGATACCCAGCGCCGTACGTCCATGGGTGGGACACAGCAGCAATTTGTGGT-3'
Protein context (NP_001895.1, residues 532-552): AIPRLVQLLV[Arg542His]AHQDTQRRTS

ClinVar aggregate classification (germline): Uncertain significance. Review status: criteria provided, multiple submitters, no conflicts (2 of 4 stars). 2 submissions from 2 submitters: Uncertain significance (2). Last evaluated 2024-10-19.

Allele frequency attached by ClinVar (database versions not stated): gnomAD exomes below 0.00001; ExAC 0.00001; gnomAD 0.00001; 1000 Genomes Project 30x 0.00016; 1000 Genomes Project 0.00020.
gnomAD v4.1: 1 of 1,614,138 alleles (0.000062%); highest among the groups gnomAD compares: African/African-American, 0.0013%; no homozygotes.

Submissions (2):

GeneDx
Classification: Uncertain significance. Last evaluated: 2024-10-19. Review status: criteria provided, single submitter. Criteria: GeneDx Variant Classification Process June 2021. Collection method: clinical testing. Allele origin: germline. Affected: yes.
Comment: In silico analysis supports that this missense variant has a deleterious effect on protein structure/function; Has not been previously published as pathogenic or benign to our knowledge; This variant is associated with the following publications: (PMID: 29500272)

Labcorp Genetics (formerly Invitae), Labcorp
Classification: Uncertain significance. Last evaluated: 2021-10-27. Review status: criteria provided, single submitter. Criteria: Invitae Variant Classification Sherloc (09022015). Collection method: clinical testing. Allele origin: germline.
Comment: Algorithms developed to predict the effect of missense changes on protein structure and function (SIFT, PolyPhen-2, Align-GVGD) all suggest that this variant is likely to be tolerated. This sequence change replaces arginine, which is basic and polar, with histidine, which is basic and polar, at codon 542 of the CTNNB1 protein (p.Arg542His). This variant is present in population databases (rs551257843, gnomAD 0.007%). This variant has not been reported in the literature in individuals affected with CTNNB1-related conditions. In summary, the available evidence is currently insufficient to determine the role of this variant in disease. Therefore, it has been classified as a Variant of Uncertain Significance.